The following is an entry in ClinVar:

ClinVar aggregate classification (germline): Uncertain significance. Review status: criteria provided, multiple submitters, no conflicts (2 of 4 stars). 2 submissions from 2 submitters: Uncertain significance (2). Last evaluated 2026-04-02.

Conditions:
Cardiovascular phenotype. Identifiers: MedGen CN230736.
Myofibrillar myopathy 6. Identifiers: Orphanet 199340, MedGen C2751831, MONDO:0013061, OMIM 612954.
Dilated cardiomyopathy 1HH (CMD1HH). Identifiers: Orphanet 154, MedGen C3151293, MONDO:0013479, OMIM 613881.

Submissions (2):

Ambry Genetics
Classification: Uncertain significance for Cardiovascular phenotype. Last evaluated: 2026-04-02. Review status: criteria provided, single submitter. Criteria: Ambry Variant Classification Scheme 2023. Collection method: clinical testing. Allele origin: germline.
Comment: The p.Q522R variant (also known as c.1565A>G), located in coding exon 4 of the BAG3 gene, results from an A to G substitution at nucleotide position 1565. The glutamine at codon 522 is replaced by arginine, an amino acid with highly similar properties. This amino acid position is conserved. In addition, the in silico prediction for this alteration is inconclusive. Based on the available evidence, the clinical significance of this variant remains unclear.

Labcorp Genetics (formerly Invitae), Labcorp
Classification: Uncertain significance for Dilated cardiomyopathy 1HH; Myofibrillar myopathy 6. Last evaluated: 2024-01-08. Review status: criteria provided, single submitter. Criteria: Invitae Variant Classification Sherloc (09022015). Collection method: clinical testing. Allele origin: germline.
Comment: This sequence change replaces glutamine, which is neutral and polar, with arginine, which is basic and polar, at codon 522 of the BAG3 protein (p.Gln522Arg). This variant is not present in population databases (gnomAD no frequency). This variant has not been reported in the literature in individuals affected with BAG3-related conditions. Advanced modeling of protein sequence and biophysical properties (such as structural, functional, and spatial information, amino acid conservation, physicochemical variation, residue mobility, and thermodynamic stability) performed at Invitae indicates that this missense variant is not expected to disrupt BAG3 protein function with a negative predictive value of 80%. In summary, the available evidence is currently insufficient to determine the role of this variant in disease. Therefore, it has been classified as a Variant of Uncertain Significance.

NM_004281.4(BAG3):c.1565A>G (p.Gln522Arg)

Gene: BAG3 (BAG cochaperone 3; plus strand). Cytogenetic location: 10q26.11.
Variant type: single nucleotide variant.
Coding change: c.1565A>G on transcript NM_004281.4 (MANE Select); coding-DNA position 1565, A replaced by G.
Protein change: p.Gln522Arg; replaces glutamine 522 with arginine.
Molecular consequence: missense variant.
Genome position (GRCh38, 1-based): chr10:119,677,119, A>G. VCF-style: chr10-119677119-A-G. GRCh37 (hg19) VCF-style: chr10-121436631-A-G.
Other names: short protein forms Q522R.
Identifiers: ClinVar variation 2933565 (VCV002933565.4), dbSNP rs753694106, ClinGen allele CA378297599.